The following is an entry in ClinVar:

NM_014336.5(AIPL1):c.51G>A (p.Leu17=)

Gene: AIPL1 (AIP like 1 HSP90 co-chaperone; minus strand). Cytogenetic location: 17p13.2.
Variant type: single nucleotide variant.
Coding change: c.51G>A on transcript NM_014336.5 (MANE Select); coding-DNA position 51, G replaced by A.
Protein change: p.Leu17=; no amino-acid change (leucine 17 retained).
Molecular consequence: synonymous variant. On other transcripts: 5 prime UTR variant (1).
Genome position (GRCh38, 1-based): chr17:6,435,054, C>T on the plus strand (G>A on the coding strand, the complement: AIPL1 is on the minus strand). VCF-style: chr17-6435054-C-T. GRCh37 (hg19) VCF-style: chr17-6338374-C-T.
Other names: NM_014336.5(AIPL1):c.51G>A; p.Leu17=; c.51G>A, p.Leu17= (NM_001033054.3, NM_001033055.3, NM_001285399.3 and 3 more transcripts); c.-125G>A (NM_001285402.2).
Identifiers: ClinVar variation 1081882 (VCV001081882.9), dbSNP rs765416489, ClinGen allele CA8328673.

ClinVar aggregate classification (germline): Likely benign. Review status: reviewed by expert panel (3 of 4 stars). 2 submissions from 2 submitters: Likely benign (1). 1 of the submissions does not count toward it. Last evaluated 2025-09-29.

Conditions:
AIPL1-related retinopathy. Also called: AIPL1 retinopathy. Identifiers: MedGen CN305590, MONDO:0100438.
Leber congenital amaurosis 4 (LCA4). Identifiers: MedGen C1858386, MONDO:0011458, OMIM 604393.

Allele frequency attached by ClinVar (database versions not stated): ExAC 0.00001; gnomAD exomes 0.00001 and 0.00002; TOPMed 0.00002; gnomAD 0.00003.
gnomAD v4.1: 37 of 1,614,098 alleles (0.0023%); highest among the groups gnomAD compares: Non-Finnish European, 0.003%; no homozygotes.

Submissions (2):

ClinGen Leber Congenital Amaurosis/early Onset Retinal Dystrophy Variant Curation Expert Panel, ClinGen
Classification: Likely benign for AIPL1-related retinopathy. Last evaluated: 2025-09-29. Review status: reviewed by expert panel. Criteria: ClinGen LCAeoRD ACMG Specifications AIPL1 V1.0.0. Collection method: curation. Allele origin: germline. Inheritance: Autosomal recessive inheritance.
Comment: NM_014336.5(AIPL1):c.51G>A (p.Leu17=) is a synonymous variant in exon 1 of 6 that is not close to the exon-intron boundaries. This variant is present in gnomAD v.4.1.0 at a total allele frequency of 0.00002292, with 37 alleles / 1,614,098 total alleles, which is lower than the ClinGen LCA/eoRD VCEP PM2_Supporting threshold of <0.0004 (PM2_Supporting). The splicing impact predictor SpliceAI gives a delta score of 0.00, which is below the ClinGen LCA/eoRD VCEP recommended threshold of <0.1 and does not predict an impact on splicing (BP4, BP7). In summary, this variant meets the criteria to be classified as Likely Benign for AIPL1-related retinopathy based on the ACMG/AMP criteria applied, as specified by the ClinGen LCA/eoRD VCEP: PM2_Supporting, BP4 and BP7. (VCEP specifications version 1.0.0; date of approval 09/24/2025).

Labcorp Genetics (formerly Invitae), Labcorp
Classification: Likely benign for Leber congenital amaurosis 4. Last evaluated: 2024-01-16. Review status: criteria provided, single submitter. Criteria: Invitae Variant Classification Sherloc (09022015). Collection method: clinical testing. Allele origin: germline. Not counted in ClinVar's aggregate classification.